The following is an entry in ClinVar:

ClinVar aggregate classification (germline): Uncertain significance (1 of 4 stars; one submission).

Conditions:
Birt-Hogg-Dube syndrome. Also called: Birt Hogg Dubé syndrome. Identifiers: Orphanet 122, MedGen C0346010, MONDO:0800444.

Submission:

Labcorp Genetics (formerly Invitae), Labcorp
Classification: Uncertain significance for Birt-Hogg-Dube syndrome. Last evaluated: 2024-07-15. Review status: criteria provided, single submitter. Criteria: Invitae Variant Classification Sherloc (09022015). Collection method: clinical testing. Allele origin: germline.
Comment: This sequence change replaces lysine, which is basic and polar, with glutamine, which is neutral and polar, at codon 347 of the FLCN protein (p.Lys347Gln). This variant is not present in population databases (gnomAD no frequency). This variant has not been reported in the literature in individuals affected with FLCN-related conditions. ClinVar contains an entry for this variant (Variation ID: 1002059). Advanced modeling of protein sequence and biophysical properties (such as structural, functional, and spatial information, amino acid conservation, physicochemical variation, residue mobility, and thermodynamic stability) performed at Invitae indicates that this missense variant is not expected to disrupt FLCN protein function with a negative predictive value of 80%. In summary, the available evidence is currently insufficient to determine the role of this variant in disease. Therefore, it has been classified as a Variant of Uncertain Significance.

NM_144997.7(FLCN):c.1039A>C (p.Lys347Gln)

Gene: FLCN (folliculin; minus strand). Cytogenetic location: 17p11.2.
Variant type: single nucleotide variant.
Coding change: c.1039A>C on transcript NM_144997.7 (MANE Select); coding-DNA position 1039, A replaced by C.
Protein change: p.Lys347Gln; replaces lysine 347 with glutamine.
Molecular consequence: missense variant.
Genome position (GRCh38, 1-based): chr17:17,219,042, T>G on the plus strand (A>C on the coding strand, the complement: FLCN is on the minus strand). VCF-style: chr17-17219042-T-G. GRCh37 (hg19) VCF-style: chr17-17122356-T-G.
Other names: c.1093A>C, p.Lys365Gln (NM_001353229.2); c.1039A>C, p.Lys347Gln (NM_001353230.2, NM_001353231.2); short protein forms K347Q, K365Q.
Identifiers: ClinVar variation 1002059 (VCV001002059.5), dbSNP rs2047007233, ClinGen allele CA398532678.